The following is an entry in ClinVar:

NM_000108.5(DLD):c.684+7G>A

Gene: DLD (dihydrolipoamide dehydrogenase; plus strand). Cytogenetic location: 7q31.1.
Variant type: single nucleotide variant.
Coding change: c.684+7G>A on transcript NM_000108.5 (MANE Select); 7 bases into the intron after coding-DNA position 684, G replaced by A.
Molecular consequence: intron variant.
Genome position (GRCh38, 1-based): chr7:107,906,375, G>A. VCF-style: chr7-107906375-G-A. GRCh37 (hg19) VCF-style: chr7-107546820-G-A.
Other names: c.540+7G>A (NM_001289752.1); c.615+7G>A (NM_001289751.1); c.387+7G>A (NM_001289750.1).
Identifiers: ClinVar variation 137096 (VCV000137096.19), dbSNP rs75123588, ClinGen allele CA290606.
Genomic context (GRCh38, chr7:107,906,375, plus strand): 5'-AAAGTTCCAGAAAAGATGGTTGTTATTGGTGCAGGAGTAATAGGTGTAGAATTGGTAAGT[G>A]TTGTCTTTCTGCCTCTTATTACCTCCTTGGAGTTGGAAGGGACTTAAAGGTCCCCTTTTT-3'

ClinVar aggregate classification (germline): Benign. Review status: criteria provided, multiple submitters, no conflicts (2 of 4 stars). 8 submissions from 6 submitters: Benign (6). 2 of the submissions do not count toward it. Last evaluated 2026-02-04.

Conditions:
Pyruvate dehydrogenase complex deficiency (PDHC). Also called: PYRUVATE DECARBOXYLASE DEFICIENCY; Pyruvate Dehydrogenase Complex Deficiency Disease; Pyruvate dehydrogenase deficiency; Ataxia with lactic acidosis 1; PDH DEFICIENCY. Identifiers: Orphanet 765, Orphanet 79243, MedGen C0034345, MONDO:0019169.
Pyruvate dehydrogenase E3 deficiency (DLDD). Also called: Dihydrolipoamide Dehydrogenase E3 Deficiency; Lipoamide dehydrogenase deficiency; Dihydrolipoamide Dehydrogenase (E3) Deficiency; Dihydrolipoamide Dehydrogenase Deficiency; MAPLE SYRUP URINE DISEASE, TYPE III; DLD DEFICIENCY. Identifiers: Orphanet 2394, Orphanet 765, MedGen C5574660, MONDO:0009529, OMIM 246900.
Leigh syndrome (NULS). Also called: LEIGH SYNDROME, NUCLEAR; Leigh's syndrome; Leigh Syndrome (mtDNA deletion); Leigh Disease; Subacute necrotizing encephalopathy; Necrotizing encephalopathy infantile subacute of Leigh. Identifiers: Orphanet 506, MedGen C2931891, MONDO:0009723, OMIM 256000.

Allele frequency attached by ClinVar (database versions not stated): gnomAD exomes 0.00554 and 0.01453; ExAC 0.01824; gnomAD 0.05701 and 0.06110; 1000 Genomes Project 0.06310; ESP Exome Variant Server 0.06343; TOPMed 0.06531; 1000 Genomes Project 30x 0.06699.
gnomAD v4.1: 16,954 of 1,579,730 alleles (1.1%); highest among the groups gnomAD compares: African/African-American, 20%; 1,560 homozygotes.

Submissions (8):

Labcorp Genetics (formerly Invitae), Labcorp
Classification: Benign for Pyruvate dehydrogenase E3 deficiency. Last evaluated: 2026-02-04. Review status: criteria provided, single submitter. Criteria: Invitae Variant Classification Sherloc (09022015). Collection method: clinical testing. Allele origin: germline.

Illumina Laboratory Services, Illumina
Classification: Benign for Pyruvate dehydrogenase complex deficiency. Last evaluated: 2018-01-12. Review status: criteria provided, single submitter. Criteria: ICSL Variant Classification Criteria 13 December 2019. Collection method: clinical testing. Allele origin: germline.
Comment: This variant was observed in the ICSL laboratory as part of a predisposition screen in an ostensibly healthy population. It had not been previously curated by ICSL or reported in the Human Gene Mutation Database (HGMD: prior to June 1st, 2018), and was therefore a candidate for classification through an automated scoring system. Utilizing variant allele frequency, disease prevalence and penetrance estimates, and inheritance mode, an automated score was calculated to assess if this variant is too frequent to cause the disease. Based on the score and internal cut-off values, a variant classified as benign is not then subjected to further curation. The score for this variant resulted in a classification of benign for this disease.

Illumina Laboratory Services, Illumina
Classification: Benign for Leigh syndrome. Last evaluated: 2018-01-12. Review status: criteria provided, single submitter. Criteria: ICSL Variant Classification Criteria 13 December 2019. Collection method: clinical testing. Allele origin: germline.
Comment: the same text as in the submission from Illumina Laboratory Services, Illumina above.

Illumina Laboratory Services, Illumina
Classification: Benign for Pyruvate dehydrogenase E3 deficiency. Last evaluated: 2018-01-12. Review status: criteria provided, single submitter. Criteria: ICSL Variant Classification Criteria 13 December 2019. Collection method: clinical testing. Allele origin: germline.
Comment: the same text as in the submission from Illumina Laboratory Services, Illumina above.

GeneDx
Classification: Benign. Last evaluated: 2011-12-09. Review status: criteria provided, single submitter. Criteria: GeneDx Variant Classification (06012015). Collection method: clinical testing. Allele origin: germline. Affected: yes.
Comment: This variant is considered likely benign or benign based on one or more of the following criteria: it is a conservative change, it occurs at a poorly conserved position in the protein, it is predicted to be benign by multiple in silico algorithms, and/or has population frequency not consistent with disease.

Breakthrough Genomics
Classification: Benign. Review status: criteria provided, single submitter. Criteria: ACMG Guidelines, 2015. Collection method: not provided. Allele origin: germline. Inheritance: Autosomal recessive inheritance. Affected: yes.

Natera, Inc.
Classification: Benign for Maple syrup urine disease type 3. Last evaluated: 2020-09-16. Review status: no assertion criteria provided. Collection method: clinical testing. Allele origin: germline. Not counted in ClinVar's aggregate classification.

Mayo Clinic Laboratories, Mayo Clinic
Classification: Benign. Last evaluated: 2017-08-22. Review status: no assertion criteria provided. Collection method: clinical testing. Allele origin: unknown. Not counted in ClinVar's aggregate classification.